The following is an entry in ClinVar:

ClinVar aggregate classification (germline): Likely pathogenic (1 of 4 stars; one submission).

Submission:

Labcorp Genetics (formerly Invitae), Labcorp
Classification: Likely pathogenic. Last evaluated: 2022-12-20. Review status: criteria provided, single submitter. Criteria: Invitae Variant Classification Sherloc (09022015). Collection method: clinical testing. Allele origin: germline.
Comment: In summary, the currently available evidence indicates that the variant is pathogenic, but additional data are needed to prove that conclusively. Therefore, this variant has been classified as Likely Pathogenic. Algorithms developed to predict the effect of sequence changes on RNA splicing suggest that this variant may disrupt the consensus splice site. This variant has not been reported in the literature in individuals affected with COL11A2-related conditions. This variant is not present in population databases (gnomAD no frequency). This sequence change affects a donor splice site in intron 15 of the COL11A2 gene. It is expected to disrupt RNA splicing. Variants that disrupt the donor or acceptor splice site typically lead to a loss of protein function (PMID: 16199547), and loss-of-function variants in COL11A2 are known to be pathogenic (PMID: 10677296, 21204229).

Literature cited by the submitters: PubMed 16199547; PubMed 10677296; PubMed 21204229.

NM_080680.3(COL11A2):c.1557+1G>A

Gene: COL11A2 (collagen type XI alpha 2 chain; minus strand). Cytogenetic location: 6p21.32.
Variant type: single nucleotide variant.
Coding change: c.1557+1G>A on transcript NM_080680.3 (MANE Select); the canonical splice donor site of the intron after coding-DNA position 1557, G replaced by A.
Molecular consequence: splice donor variant.
Genome position (GRCh38, 1-based): chr6:33,179,230, C>T on the plus strand (G>A on the coding strand, the complement: COL11A2 is on the minus strand). VCF-style: chr6-33179230-C-T. GRCh37 (hg19) VCF-style: chr6-33147007-C-T.
Other names: c.531+1G>A (NM_001424111.1, NM_001424110.1); c.1236+1G>A (NM_080679.3); c.1299+1G>A (NM_080681.3); c.1377+1G>A (NM_001424108.1); c.711+1G>A (NM_001424109.1).
Identifiers: ClinVar variation 2822302 (VCV002822302.3), dbSNP rs2535244117, ClinGen allele CA363605580.